The following is an entry in ClinVar:

ClinVar aggregate classification (germline): Uncertain significance (1 of 4 stars; one submission).

Submission:

Mayo Clinic Laboratories, Mayo Clinic
Classification: Uncertain significance. Last evaluated: 2025-09-19. Review status: criteria provided, single submitter. Criteria: ACMG Guidelines, 2015. Collection method: clinical testing. Allele origin: germline. Observed: 1 variant allele.
Comment: PM2_supporting, PM4

NR_001566.3(TERC):n.325_326del

Genes: TERC (telomerase RNA component; minus strand), LOC110806306 (telomerase RNA component (TERC) promoter; plus strand). Cytogenetic location: 3q26.2.
Variant type: Deletion.
Molecular consequence: non-coding transcript variant (on NR_001566.3).
Genome position: GRCh38 VCF-style: chr3-169764734-ACC-A. GRCh37 (hg19) VCF-style: chr3-169482522-ACC-A.
Identifiers: ClinVar variation 4540949 (VCV004540949.1).